The following is an entry in ClinVar:

ClinVar aggregate classification (germline): Pathogenic (1 of 4 stars; one submission).

Conditions:
Cystinosis. Also called: Cystine diathesis; Cystine storage disease; Cystinoses. Identifiers: Orphanet 213, MedGen C4316899, MONDO:0016239.

Allele frequency attached by ClinVar (database versions not stated): TOPMed below 0.00001; gnomAD exomes 0.00001.

Submission:

Women's Health and Genetics/Laboratory Corporation of America, LabCorp
Classification: Pathogenic for Cystinosis. Last evaluated: 2023-07-31. Review status: criteria provided, single submitter. Criteria: LabCorp Variant Classification Summary - May 2015. Collection method: clinical testing. Allele origin: germline.
Comment: Variant summary: CTNS c.741delC (p.Phe247LeufsX6) results in a premature termination codon, predicted to cause absence of the protein due to nonsense mediated decay, which is a commonly known mechanism for disease. The variant was absent in 251214 control chromosomes (gnomAD). c.741delC has been reported in the literature in individual(s) affected with Cystinosis (e.g. Attard_1999). The following publication has been ascertained in the context of this evaluation (PMID: 10556299). No submitters have cited clinical-significance assessments for this variant to ClinVar after 2014. Based on the evidence outlined above, the variant was classified as pathogenic.

Literature cited by the submitters: PubMed 10556299.

NM_004937.3(CTNS):c.741del (p.Phe247fs)

Gene: CTNS (cystinosin, lysosomal cystine transporter; plus strand). Cytogenetic location: 17p13.2.
Variant type: Deletion.
Coding change: c.741del on transcript NM_004937.3 (MANE Select); coding-DNA position 741, one base deleted (C; older notation c.741delC).
Protein change: p.Phe247fs; shifts the reading frame from phenylalanine 247.
Molecular consequence: frameshift variant.
Genome position (GRCh38, 1-based): chr17:3,658,064, C deleted. VCF-style (leftmost placement, unchanged base first): chr17-3658063-TC-T. GRCh37 (hg19) VCF-style: chr17-3561357-TC-T.
Other names: c.741del, p.Phe247fs (NM_001031681.3, NM_001374492.1); c.300del, p.Phe100fs (NM_001374493.1, NM_001374494.1, NM_001374495.1 and 1 more transcripts); short protein forms F100fs, F247fs.
Identifiers: ClinVar variation 2577044 (VCV002577044.1), dbSNP rs756182448, ClinGen allele CA287018768.